The following is an entry in ClinVar:

NM_001204.7(BMPR2):c.2953C>T (p.Arg985Cys)

Gene: BMPR2 (bone morphogenetic protein receptor type 2; plus strand). Cytogenetic location: 2q33.2.
Variant type: single nucleotide variant.
Coding change: c.2953C>T on transcript NM_001204.7 (MANE Select); coding-DNA position 2953, C replaced by T.
Protein change: p.Arg985Cys; replaces arginine 985 with cysteine.
Molecular consequence: missense variant.
Genome position (GRCh38, 1-based): chr2:202,559,782, C>T. VCF-style: chr2-202559782-C-T. GRCh37 (hg19) VCF-style: chr2-203424505-C-T.
Other names: short protein forms R985C.
Identifiers: ClinVar variation 3134602 (VCV003134602.2), dbSNP rs748355638, ClinGen allele CA2061618.

ClinVar aggregate classification (germline): Uncertain significance (1 of 4 stars; one submission).

Conditions:
Inborn genetic diseases. Identifiers: MedGen C0950123, MeSH D030342.

Allele frequency attached by ClinVar (database versions not stated): gnomAD exomes below 0.00001; ExAC 0.00002.
gnomAD v4.1: 7 of 1,614,024 alleles (0.00043%); highest among the groups gnomAD compares: East Asian, 0.0022%; no homozygotes.

Submission:

Ambry Genetics
Classification: Uncertain significance for Inborn genetic diseases. Last evaluated: 2024-12-15. Review status: criteria provided, single submitter. Criteria: Ambry Variant Classification Scheme 2023. Collection method: clinical testing. Allele origin: germline.
Comment: The p.R985C variant (also known as c.2953C>T), located in coding exon 13 of the BMPR2 gene, results from a C to T substitution at nucleotide position 2953. The arginine at codon 985 is replaced by cysteine, an amino acid with highly dissimilar properties. This amino acid position is conserved. In addition, this alteration is predicted to be deleterious by in silico analysis. Based on the available evidence, the clinical significance of this variant remains unclear.